The following is an entry in ClinVar:

ClinVar aggregate classification (germline): Likely benign (1 of 4 stars; one submission).

Submission:

GeneDx
Classification: Likely benign. Last evaluated: 2018-06-07. Review status: criteria provided, single submitter. Criteria: GeneDx Variant Classification (06012015). Collection method: clinical testing. Allele origin: germline. Affected: yes.
Comment: This variant is considered likely benign or benign based on one or more of the following criteria: it is a conservative change, it occurs at a poorly conserved position in the protein, it is predicted to be benign by multiple in silico algorithms, and/or has population frequency not consistent with disease.

NM_000179.3(MSH6):c.3802-12T>G

Gene: MSH6 (mutS homolog 6; plus strand). Cytogenetic location: 2p16.3.
Variant type: single nucleotide variant.
Coding change: c.3802-12T>G on transcript NM_000179.3 (MANE Select); 12 bases into the intron before coding-DNA position 3802, T replaced by G.
Molecular consequence: intron variant.
Genome position (GRCh38, 1-based): chr2:47,806,440, T>G. VCF-style: chr2-47806440-T-G. GRCh37 (hg19) VCF-style: chr2-48033579-T-G.
Other names: c.2896-12T>G (NM_001281493.2, NM_001281494.2); c.3412-12T>G (NM_001281492.2).
Identifiers: ClinVar variation 671663 (VCV000671663.1), dbSNP rs1572745911, ClinGen allele CA915943972.